The following is an entry in ClinVar:

NM_001111.5(ADAR):c.392A>G (p.Gln131Arg)

Gene: ADAR (adenosine deaminase RNA specific; minus strand). Cytogenetic location: 1q21.3.
Variant type: single nucleotide variant.
Coding change: c.392A>G on transcript NM_001111.5 (MANE Select); coding-DNA position 392, A replaced by G.
Protein change: p.Gln131Arg; replaces glutamine 131 with arginine.
Molecular consequence: missense variant. On other transcripts: 5 prime UTR variant (3), splice acceptor variant (3).
Genome position (GRCh38, 1-based): chr1:154,602,250, T>C on the plus strand (A>G on the coding strand, the complement: ADAR is on the minus strand). VCF-style: chr1-154602250-T-C. GRCh37 (hg19) VCF-style: chr1-154574726-T-C.
Other names: c.-494A>G (NM_001025107.3, NM_001193495.2, NM_001365048.1); c.419A>G, p.Gln140Arg (NM_001365045.1); c.392A>G, p.Gln131Arg (NM_015840.4, NM_015841.4); c.-492-2A>G (NM_001365046.1, NM_001365049.1, NM_001365047.1); short protein forms Q131R, Q140R.
Identifiers: ClinVar variation 3747922 (VCV003747922.2).
Genomic context (GRCh38, chr1:154,602,250, plus strand): 5'-CCAAGCTCTTCCAGGAACTTTAAGATCCTTTGTTCCTGATCTTGGTAGATACTCAGTTCC[T>C]GGAAATGTGAGGAAAGGCAATCAACACCTCTCTGTGGCAGACTCCTGCCACGTGGTGAAG-3'
Protein context (NP_001102.3, residues 121-141): RGVDCLSSHF[Gln131Arg]ELSIYQDQEQ

ClinVar aggregate classification (germline): Uncertain significance (1 of 4 stars; one submission).

Conditions:
Symmetrical dyschromatosis of extremities (DSH). Also called: DYSCHROMATOSIS SYMMETRICA HEREDITARIA 1; RETICULATE ACROPIGMENTATION OF DOHI; SYMMETRIC DYSCHROMATOSIS OF THE EXTREMITIES; Dyschromatosis symmetrica hereditaria. Identifiers: Orphanet 41, MedGen C0406775, MONDO:0007483, OMIM 127400.
Aicardi-Goutieres syndrome 6 (AGS6). Identifiers: Orphanet 51, MedGen C3539013, MONDO:0014007, OMIM 615010.

Submission:

Labcorp Genetics (formerly Invitae), Labcorp
Classification: Uncertain significance for Aicardi-Goutieres syndrome 6; Symmetrical dyschromatosis of extremities. Last evaluated: 2024-09-23. Review status: criteria provided, single submitter. Criteria: Invitae Variant Classification Sherloc (09022015). Collection method: clinical testing. Allele origin: germline.
Comment: This sequence change replaces glutamine, which is neutral and polar, with arginine, which is basic and polar, at codon 131 of the ADAR protein (p.Gln131Arg). This variant is not present in population databases (gnomAD no frequency). This variant has not been reported in the literature in individuals affected with ADAR-related conditions. An algorithm developed to predict the effect of missense changes on protein structure and function outputs the following: PolyPhen-2: "Benign". The arginine amino acid residue is found in multiple mammalian species, which suggests that this missense change does not adversely affect protein function. In summary, the available evidence is currently insufficient to determine the role of this variant in disease. Therefore, it has been classified as a Variant of Uncertain Significance.